The following is an entry in ClinVar:

NM_006180.6(NTRK2):c.1445G>A (p.Gly482Asp)

Gene: NTRK2 (neurotrophic receptor tyrosine kinase 2; plus strand). Cytogenetic location: 9q21.33.
Variant type: single nucleotide variant.
Coding change: c.1445G>A on transcript NM_006180.6 (MANE Select); coding-DNA position 1445, G replaced by A.
Protein change: p.Gly482Asp; replaces glycine 482 with aspartic acid.
Molecular consequence: missense variant.
Genome position (GRCh38, 1-based): chr9:84,867,243, G>A. VCF-style: chr9-84867243-G-A. GRCh37 (hg19) VCF-style: chr9-87482158-G-A.
Other names: c.1397G>A, p.Gly466Asp (NM_001018064.3, NM_001018066.3, NM_001369532.1 and 2 more transcripts); c.1445G>A, p.Gly482Asp (NM_001018065.2, NM_001369537.1, NM_001381928.1); c.1361G>A, p.Gly454Asp (NM_001369534.1); c.929G>A, p.Gly310Asp (NM_001369535.1); c.977G>A, p.Gly326Asp (NM_001369536.1); c.1445G>A (NM_006180.4); short protein forms G326D, G454D, G482D, G310D, G466D.
Identifiers: ClinVar variation 2170781 (VCV002170781.5), dbSNP rs149694868, ClinGen allele CA5105773.

ClinVar aggregate classification (germline): Uncertain significance. Review status: criteria provided, single submitter (1 of 4 stars). 2 submissions from 2 submitters: Uncertain significance (1). 1 of the submissions does not count toward it. Last evaluated 2023-08-16.

Conditions:
NTRK2-related disorder. Also called: NTRK2-related condition.

Allele frequency attached by ClinVar (database versions not stated): gnomAD 0.00002; TOPMed 0.00002; ESP Exome Variant Server 0.00023.
gnomAD v4.1: 8 of 1,613,670 alleles (0.0005%); highest among the groups gnomAD compares: Admixed American, 0.0017%; no homozygotes.

Submissions (2):

Labcorp Genetics (formerly Invitae), Labcorp
Classification: Uncertain significance. Last evaluated: 2023-08-16. Review status: criteria provided, single submitter. Criteria: Invitae Variant Classification Sherloc (09022015). Collection method: clinical testing. Allele origin: germline.
Comment: This sequence change replaces glycine, which is neutral and non-polar, with aspartic acid, which is acidic and polar, at codon 482 of the NTRK2 protein (p.Gly482Asp). This variant is present in population databases (rs149694868, gnomAD 0.002%). This variant has not been reported in the literature in individuals affected with NTRK2-related conditions. ClinVar contains an entry for this variant (Variation ID: 2170781). An algorithm developed to predict the effect of missense changes on protein structure and function (PolyPhen-2) suggests that this variant is likely to be tolerated. In summary, the available evidence is currently insufficient to determine the role of this variant in disease. Therefore, it has been classified as a Variant of Uncertain Significance.

PreventionGenetics, part of Exact Sciences
Classification: Uncertain significance for NTRK2-related condition. Last evaluated: 2024-05-15. Review status: no assertion criteria provided. Collection method: clinical testing. Allele origin: germline. Not counted in ClinVar's aggregate classification.
Comment: The NTRK2 c.1445G>A variant is predicted to result in the amino acid substitution p.Gly482Asp. To our knowledge, this variant has not been reported in the literature. This variant is reported in 0.00089% of alleles in individuals of European (Non-Finnish) descent in gnomAD. At this time, the clinical significance of this variant is uncertain due to the absence of conclusive functional and genetic evidence.